The following is an entry in ClinVar:

NM_001009944.3(PKD1):c.664G>A (p.Ala222Thr)

Gene: PKD1 (polycystin 1, transient receptor potential channel interacting; minus strand). Cytogenetic location: 16p13.3.
Variant type: single nucleotide variant.
Coding change: c.664G>A on transcript NM_001009944.3 (MANE Select); coding-DNA position 664, G replaced by A.
Protein change: p.Ala222Thr; replaces alanine 222 with threonine.
Molecular consequence: missense variant.
Genome position (GRCh38, 1-based): chr16:2,118,328, C>T on the plus strand (G>A on the coding strand, the complement: PKD1 is on the minus strand). VCF-style: chr16-2118328-C-T. GRCh37 (hg19) VCF-style: chr16-2168329-C-T.
Other names: c.664G>A, p.Ala222Thr (NM_000296.4); short protein forms A222T.
Identifiers: ClinVar variation 3213497 (VCV003213497.3), dbSNP rs1391867937, ClinGen allele CA394394659.

ClinVar aggregate classification (germline): Uncertain significance. Review status: criteria provided, multiple submitters, no conflicts (2 of 4 stars). 3 submissions from 3 submitters: Uncertain significance (2). 1 of the submissions does not count toward it. Last evaluated 2024-06-18.

Conditions:
Inborn genetic diseases. Identifiers: MedGen C0950123, MeSH D030342.
Polycystic kidney disease, adult type (PKD1). Also called: Polycystic Kidney Disease 1, Autosomal Dominant; Polycystic kidney disease 1; Polycystic kidney disease 1, severe; Polycystic Kidney, Autosomal Dominant; POLYCYSTIC KIDNEY DISEASE 1 WITH OR WITHOUT POLYCYSTIC LIVER DISEASE; POLYCYSTIC KIDNEY DISEASE, ADULT, TYPE I. Identifiers: MedGen C3149841, MONDO:0008263, OMIM 173900.
PKD1-related disorder. Also called: PKD1-related condition.

Allele frequency attached by ClinVar (database versions not stated): gnomAD 0.00003; TOPMed 0.00003; gnomAD exomes 0.00004.
gnomAD v4.1: 56 of 1,486,728 alleles (0.0038%); highest among the groups gnomAD compares: African/African-American, 0.0056%; no homozygotes.

Submissions (3):

Fulgent Genetics
Classification: Uncertain significance for Polycystic kidney disease, adult type. Last evaluated: 2024-06-18. Review status: criteria provided, single submitter. Criteria: ACMG Guidelines, 2015. Collection method: clinical testing. Allele origin: germline.

Ambry Genetics
Classification: Uncertain significance for Inborn genetic diseases. Last evaluated: 2024-01-08. Review status: criteria provided, single submitter. Criteria: Ambry Variant Classification Scheme 2023. Collection method: clinical testing. Allele origin: germline.

PreventionGenetics, part of Exact Sciences
Classification: Uncertain significance for PKD1-related condition. Last evaluated: 2024-06-10. Review status: no assertion criteria provided. Collection method: clinical testing. Allele origin: germline. Not counted in ClinVar's aggregate classification.
Comment: The PKD1 c.664G>A variant is predicted to result in the amino acid substitution p.Ala222Thr. To our knowledge, this variant has not been reported in the literature. This variant is reported in 0.0066% of alleles in individuals of African descent in gnomAD. An alternate nucleotide change affecting the same amino acid (p.Ala222Pro) has been reported in the compound heterozygous state in an individual with a cilia-related kidney disorder (Liang et al. 2019. PubMed ID: 31730820) and in the heterozygous state in an individual with polycystic kidney disease (Kim et al. 2021. PubMed ID: 32816041). At this time, the clinical significance of the c.664G>A (p.Ala222Thr) variant is uncertain due to the absence of conclusive functional and genetic evidence.